The following is an entry in ClinVar:

ClinVar aggregate classification (germline): Uncertain significance (1 of 4 stars; one submission).

Submission:

Labcorp Genetics (formerly Invitae), Labcorp
Classification: Uncertain significance. Last evaluated: 2022-03-19. Review status: criteria provided, single submitter. Criteria: Invitae Variant Classification Sherloc (09022015). Collection method: clinical testing. Allele origin: germline.
Comment: This sequence change replaces glutamic acid, which is acidic and polar, with aspartic acid, which is acidic and polar, at codon 2463 of the PCLO protein (p.Glu2463Asp). This variant is not present in population databases (gnomAD no frequency). This variant has not been reported in the literature in individuals affected with PCLO-related conditions. Algorithms developed to predict the effect of missense changes on protein structure and function output the following: SIFT: "Tolerated"; PolyPhen-2: "Not Available"; Align-GVGD: "Class C0". The aspartic acid amino acid residue is found in multiple mammalian species, which suggests that this missense change does not adversely affect protein function. In summary, the available evidence is currently insufficient to determine the role of this variant in disease. Therefore, it has been classified as a Variant of Uncertain Significance.

NM_033026.6(PCLO):c.7389G>C (p.Glu2463Asp)

Gene: PCLO (piccolo presynaptic cytomatrix protein; minus strand). Cytogenetic location: 7q21.11.
Variant type: single nucleotide variant.
Coding change: c.7389G>C on transcript NM_033026.6 (MANE Select); coding-DNA position 7389, G replaced by C.
Protein change: p.Glu2463Asp; replaces glutamic acid 2463 with aspartic acid.
Molecular consequence: missense variant.
Genome position (GRCh38, 1-based): chr7:82,953,564, C>G on the plus strand (G>C on the coding strand, the complement: PCLO is on the minus strand). VCF-style: chr7-82953564-C-G. GRCh37 (hg19) VCF-style: chr7-82582880-C-G.
Other names: c.7389G>C, p.Glu2463Asp (NM_014510.3); short protein forms E2463D.
Identifiers: ClinVar variation 1468792 (VCV001468792.8), dbSNP rs779070358, ClinGen allele CA367917108.